The following is an entry in ClinVar:

ClinVar aggregate classification (germline): Uncertain significance (1 of 4 stars; one submission).

Allele frequency attached by ClinVar (database versions not stated): gnomAD exomes below 0.00001.
gnomAD v4.1: 4 of 1,503,274 alleles (0.00027%); highest among the groups gnomAD compares: Admixed American, 0.004%; no homozygotes.

Submission:

Labcorp Genetics (formerly Invitae), Labcorp
Classification: Uncertain significance. Last evaluated: 2022-07-01. Review status: criteria provided, single submitter. Criteria: Invitae Variant Classification Sherloc (09022015). Collection method: clinical testing. Allele origin: germline.
Comment: This sequence change replaces alanine, which is neutral and non-polar, with threonine, which is neutral and polar, at codon 45 of the PGAP3 protein (p.Ala45Thr). The frequency data for this variant in the population databases is considered unreliable, as metrics indicate poor data quality at this position in the gnomAD database. This variant has not been reported in the literature in individuals affected with PGAP3-related conditions. Algorithms developed to predict the effect of missense changes on protein structure and function (SIFT, PolyPhen-2, Align-GVGD) all suggest that this variant is likely to be tolerated. In summary, the available evidence is currently insufficient to determine the role of this variant in disease. Therefore, it has been classified as a Variant of Uncertain Significance.

NM_033419.5(PGAP3):c.133G>A (p.Ala45Thr)

Gene: PGAP3 (post-GPI attachment to proteins phospholipase 3; minus strand). Cytogenetic location: 17q12.
Variant type: single nucleotide variant.
Coding change: c.133G>A on transcript NM_033419.5 (MANE Select); coding-DNA position 133, G replaced by A.
Protein change: p.Ala45Thr; replaces alanine 45 with threonine.
Molecular consequence: missense variant.
Genome position (GRCh38, 1-based): chr17:39,687,882, C>T on the plus strand (G>A on the coding strand, the complement: PGAP3 is on the minus strand). VCF-style: chr17-39687882-C-T. GRCh37 (hg19) VCF-style: chr17-37844135-C-T.
Other names: c.133G>A, p.Ala45Thr (NM_001291726.2, NM_001291728.2, NM_001291730.2 and 2 more transcripts); short protein forms A45T.
Identifiers: ClinVar variation 2077060 (VCV002077060.1), dbSNP rs952827079, ClinGen allele CA290415420.